The following is an entry in ClinVar:

NM_001349253.2(SCN11A):c.143C>T (p.Pro48Leu)

Gene: SCN11A (sodium voltage-gated channel alpha subunit 11; minus strand). Cytogenetic location: 3p22.2.
Variant type: single nucleotide variant.
Coding change: c.143C>T on transcript NM_001349253.2 (MANE Select); coding-DNA position 143, C replaced by T.
Protein change: p.Pro48Leu; replaces proline 48 with leucine.
Molecular consequence: missense variant.
Genome position (GRCh38, 1-based): chr3:38,950,220, G>A on the plus strand (C>T on the coding strand, the complement: SCN11A is on the minus strand). VCF-style: chr3-38950220-G-A. GRCh37 (hg19) VCF-style: chr3-38991711-G-A.
Other names: c.143C>T, p.Pro48Leu (NM_014139.3); short protein forms P48L.
Identifiers: ClinVar variation 1772679 (VCV001772679.8), dbSNP rs138704917, ClinGen allele CA2322763.

ClinVar aggregate classification (germline): Uncertain significance. Review status: criteria provided, multiple submitters, no conflicts (2 of 4 stars). 3 submissions from 3 submitters: Uncertain significance (3). Last evaluated 2026-01-22.

Conditions:
SCN11A-related disorder. Also called: SCN11A-related condition.
Hereditary sensory and autonomic neuropathy type 7. Also called: Neuropathy, hereditary sensory and autonomic, type VII; HSAN VII. Identifiers: Orphanet 391397, MedGen C3809882, MONDO:0014244, OMIM 615548.
Familial episodic pain syndrome with predominantly lower limb involvement. Also called: Episodic pain syndrome, familial, 3. Identifiers: Orphanet 391384, Orphanet 391392, MedGen C3809899, MONDO:0014247, OMIM 615552.
Inborn genetic diseases. Identifiers: MedGen C0950123, MeSH D030342.

Allele frequency attached by ClinVar (database versions not stated): ESP Exome Variant Server 0.00008; 1000 Genomes Project 30x 0.00016; 1000 Genomes Project 0.00020.
gnomAD v4.1: 86 of 1,613,954 alleles (0.0053%); highest among the groups gnomAD compares: Non-Finnish European, 0.0069%; no homozygotes.

Submissions (3):

Labcorp Genetics (formerly Invitae), Labcorp
Classification: Uncertain significance for Familial episodic pain syndrome with predominantly lower limb involvement; Hereditary sensory and autonomic neuropathy type 7. Last evaluated: 2026-01-22. Review status: criteria provided, single submitter. Criteria: Invitae Variant Classification Sherloc (09022015). Collection method: clinical testing. Allele origin: germline.
Comment: This sequence change replaces proline, which is neutral and non-polar, with leucine, which is neutral and non-polar, at codon 48 of the SCN11A protein (p.Pro48Leu). This variant is present in population databases (rs138704917, gnomAD 0.003%). This variant has not been reported in the literature in individuals affected with SCN11A-related conditions. ClinVar contains an entry for this variant (Variation ID: 1772679). An algorithm developed to predict the effect of missense changes on protein structure and function (PolyPhen-2) suggests that this variant is likely to be tolerated. In summary, the available evidence is currently insufficient to determine the role of this variant in disease. Therefore, it has been classified as a Variant of Uncertain Significance.

PreventionGenetics, part of Exact Sciences
Classification: Uncertain significance for SCN11A-related condition. Last evaluated: 2025-10-21. Review status: criteria provided, single submitter. Criteria: ACMG Guidelines, 2015. Collection method: clinical testing. Allele origin: germline.
Comment: The SCN11A c.143C>T variant is predicted to result in the amino acid substitution p.Pro48Leu. To our knowledge, this variant has not been reported in the literature. This variant is reported in 0.0026% of alleles in individuals of European (non-Finnish) descent in gnomAD. At this time, the clinical significance of this variant is uncertain due to the absence of conclusive functional and genetic evidence.

Ambry Genetics
Classification: Uncertain significance for Inborn genetic diseases. Last evaluated: 2020-11-12. Review status: criteria provided, single submitter. Criteria: Ambry Variant Classification Scheme 2023. Collection method: clinical testing. Allele origin: germline.
Comment: The p.P48L variant (also known as c.143C>T), located in coding exon 1 of the SCN11A gene, results from a C to T substitution at nucleotide position 143. The proline at codon 48 is replaced by leucine, an amino acid with similar properties. This amino acid position is not well conserved in available vertebrate species, and leucine is the reference amino acid in other vertebrate species. In addition, this alteration is predicted to be tolerated by in silico analysis. Since supporting evidence is limited at this time, the clinical significance of this alteration remains unclear.